The following is an entry in ClinVar:

ClinVar aggregate classification (germline): Likely benign (1 of 4 stars; one submission).

Conditions:
Marfan syndrome (MFS). Also called: MARFAN SYNDROME, TYPE I; Marfan syndrome type 1; Marfan's syndrome; FBN1-Related Marfan Syndrome; Marfan syndrome, classic. Identifiers: Orphanet 284963, Orphanet 558, MedGen C0024796, MONDO:0007947, OMIM 154700.

gnomAD v4.1: 1 of 1,614,080 alleles (0.000062%); highest among the groups gnomAD compares: East Asian, 0.0022%; no homozygotes.

Submission:

All of Us Research Program, National Institutes of Health
Classification: Likely benign for Marfan syndrome. Last evaluated: 2024-07-20. Review status: criteria provided, single submitter. Criteria: ACMG Guidelines, 2015. Collection method: clinical testing. Allele origin: germline. Inheritance: Autosomal dominant inheritance. Observed: 1 variant allele, 1 heterozygote.
Comment: This study involves interpretation of variants in research participants for the purpose of population health screening. Participant phenotype was not available at the time of variant classification. Additional details can be found in publication PMID: 35346344, PMCID: PMC8962531

NM_000138.5(FBN1):c.3028A>C (p.Arg1010=)

Gene: FBN1 (fibrillin 1; minus strand). Cytogenetic location: 15q21.1.
Variant type: single nucleotide variant.
Coding change: c.3028A>C on transcript NM_000138.5 (MANE Select); coding-DNA position 3028, A replaced by C.
Protein change: p.Arg1010=; no amino-acid change (arginine 1010 retained).
Molecular consequence: synonymous variant.
Genome position (GRCh38, 1-based): chr15:48,489,905, T>G on the plus strand (A>C on the coding strand, the complement: FBN1 is on the minus strand). VCF-style: chr15-48489905-T-G. GRCh37 (hg19) VCF-style: chr15-48782102-T-G.
Other names: c.3028A>C, p.Arg1010= (NM_001406716.1).
Identifiers: ClinVar variation 3386824 (VCV003386824.1).